The following is an entry in ClinVar:

ClinVar aggregate classification (germline): Pathogenic/Likely pathogenic. Review status: criteria provided, multiple submitters, no conflicts (2 of 4 stars). 5 submissions from 5 submitters: Pathogenic (3); Likely pathogenic (2). Last evaluated 2025-09-18.

Conditions:
Wilson disease (WND). Also called: Wilson's disease. Identifiers: Orphanet 905, MedGen C0019202, MONDO:0010200, OMIM 277900. Disease mechanism: loss of function.

Submissions (5):

Color Diagnostics, LLC DBA Color Health
Classification: Pathogenic for Wilson disease. Last evaluated: 2025-09-18. Review status: criteria provided, single submitter. Criteria: ACMG Guidelines, 2015. Collection method: clinical testing. Allele origin: germline.
Comment: This variant causes the deletion of 1 nucleotide at the -2 position in intron 12 of the ATP7B gene. Splice site prediction tools predict that this variant may have a significant impact on RNA splicing. This variant is likely to cause in-frame skipping of exon 13, which includes the functionally important phosphorylation domain. Although RNA studies have not been reported, this variant is expected to result in a disrupted protein product and impair ATP7B function. This variant has not been reported in individuals affected with ATP7B-related disorders in the literature. This variant has not been identified in the general population by the Genome Aggregation Database (gnomAD). Different variants that impact the same splice site, c.2866-2A>G and c.2866-2A>C, are well documented pathogenic mutations (ClinVar Variation ID: 623292, 1072277). Loss of ATP7B function is a known mechanism of disease. Based on the available evidence, this variant is classified as Pathogenic.

Baylor Genetics
Classification: Likely pathogenic for Wilson disease. Last evaluated: 2023-03-06. Review status: criteria provided, single submitter. Criteria: ACMG Guidelines, 2015. Collection method: clinical testing. Allele origin: unknown.

Labcorp Genetics (formerly Invitae), Labcorp
Classification: Likely pathogenic for Wilson disease. Last evaluated: 2022-07-11. Review status: criteria provided, single submitter. Criteria: Invitae Variant Classification Sherloc (09022015). Collection method: clinical testing. Allele origin: germline.
Comment: In summary, the currently available evidence indicates that the variant is pathogenic, but additional data are needed to prove that conclusively. Therefore, this variant has been classified as Likely Pathogenic. Algorithms developed to predict the effect of sequence changes on RNA splicing suggest that this variant may disrupt the consensus splice site. ClinVar contains an entry for this variant (Variation ID: 811491). This variant has not been reported in the literature in individuals affected with ATP7B-related conditions. This variant is not present in population databases (gnomAD no frequency). This sequence change affects a splice site in intron 12 of the ATP7B gene. It is expected to disrupt RNA splicing. Variants that disrupt the donor or acceptor splice site typically lead to a loss of protein function (PMID: 16199547), and loss-of-function variants in ATP7B are known to be pathogenic (PMID: 10441329, 16283883).

Genome-Nilou Lab
Classification: Pathogenic for Wilson disease. Last evaluated: 2021-08-10. Review status: criteria provided, single submitter. Criteria: ACMG Guidelines, 2015. Collection method: clinical testing. Allele origin: germline. Affected: no.

ARUP Laboratories, Molecular Genetics and Genomics, ARUP Laboratories
Classification: Pathogenic for Wilson disease. Last evaluated: 2019-07-01. Review status: criteria provided, single submitter. Criteria: ARUP Molecular Germline Variant Investigation Process. Collection method: clinical testing. Allele origin: germline.
Comment: The ATP7B c.2866-2delA variant (rs1377418826), to our knowledge, is not reported in the medical literature or gene-specific databases. This variant is also absent from general population databases (Exome Variant Server, Genome Aggregation Database), indicating it is not a common polymorphism. This variant abolishes the canonical splice acceptor site of intron 12, which is likely to disrupt gene function. Another variant at the same nucleotide (c.2866-2A>G) has been reported in individuals with Wilson disease and is considered disease-causing, suggesting this position is intolerant of variation (Aggarwal 2013, Huong 2018). Based on available information, the c.2866-2delA variant is considered to be pathogenic. References: Aggarwal A et al. Wilson disease mutation pattern with genotype-phenotype correlations from Western India: confirmation of p.C271* as a common Indian mutation and identification of 14 novel mutations. Ann Hum Genet. 2013 Jul;77(4):299-307. Huong NTM et al. Three novel mutations in the ATP7B gene of unrelated Vietnamese patients with Wilson disease. BMC Med Genet. 2018 Jun 18;19(1):104.

Literature cited by the submitters: PubMed 16199547 (cited by Labcorp Genetics (formerly Invitae), Labcorp); PubMed 10441329 (cited by Labcorp Genetics (formerly Invitae), Labcorp); PubMed 16283883 (cited by Labcorp Genetics (formerly Invitae), Labcorp).

NM_000053.4(ATP7B):c.2866-2del

Gene: ATP7B (ATPase copper transporting beta; minus strand). Cytogenetic location: 13q14.3.
Variant type: Deletion.
Coding change: c.2866-2del on transcript NM_000053.4 (MANE Select); the canonical splice acceptor site of the intron before coding-DNA position 2866, one base deleted (A; older notation c.2866-2delA).
Molecular consequence: splice acceptor variant. On other transcripts: intron variant (6).
Genome position (GRCh38, 1-based): chr13:51,946,480, T deleted on the plus strand (A on the coding strand, the reverse complement: ATP7B is on the minus strand). VCF-style (leftmost placement, unchanged base first): chr13-51946479-CT-C. GRCh37 (hg19) VCF-style: chr13-52520615-CT-C.
Other names: c.2380-2del (NM_001406541.1, NM_001406542.1); c.2614-2del (NM_001406531.1, NM_001406532.1, NM_001330579.2); c.2632-2del (NM_001406527.1, NM_001406528.1, NM_001406538.1 and 1 more transcripts); c.2722-2189del (NM_001406537.1); c.2722-2del (NM_001406521.1, NM_001406522.1, NM_001406520.1); c.2866-2del (NM_001406513.1, NM_001406511.1, NM_001406512.1 and 2 more transcripts); c.2518-2del (NM_001406543.1); c.2812-2del (NM_001406516.1, NM_001406515.1); and 18 more.
Identifiers: ClinVar variation 811491 (VCV000811491.16), dbSNP rs1593681941, ClinGen allele CA915948581.